The following is an entry in ClinVar:

ClinVar aggregate classification (germline): Uncertain significance (1 of 4 stars; one submission).

Conditions:
Cardiovascular phenotype. Identifiers: MedGen CN230736.

Submission:

Ambry Genetics
Classification: Uncertain significance for Cardiovascular phenotype. Last evaluated: 2021-02-19. Review status: criteria provided, single submitter. Criteria: Ambry Variant Classification Scheme 2023. Collection method: clinical testing. Allele origin: germline.
Comment: The p.F1238L variant (also known as c.3714C>A), located in coding exon 21 of the FLNC gene, results from a C to A substitution at nucleotide position 3714. The phenylalanine at codon 1238 is replaced by leucine, an amino acid with highly similar properties. This amino acid position is well conserved in available vertebrate species. In addition, the in silico prediction for this alteration is inconclusive. Since supporting evidence is limited at this time, the clinical significance of this alteration remains unclear.

NM_001458.5(FLNC):c.3714C>A (p.Phe1238Leu)

Gene: FLNC (filamin C; plus strand). Cytogenetic location: 7q32.1.
Variant type: single nucleotide variant.
Coding change: c.3714C>A on transcript NM_001458.5 (MANE Select); coding-DNA position 3714, C replaced by A.
Protein change: p.Phe1238Leu; replaces phenylalanine 1238 with leucine.
Molecular consequence: missense variant.
Genome position (GRCh38, 1-based): chr7:128,845,179, C>A. VCF-style: chr7-128845179-C-A. GRCh37 (hg19) VCF-style: chr7-128485233-C-A.
Other names: c.3714C>A, p.Phe1238Leu (NM_001127487.2); short protein forms F1238L.
Identifiers: ClinVar variation 1734228 (VCV001734228.2), dbSNP rs2536638513, ClinGen allele CA369197807.
Genomic context (GRCh38, chr7:128,845,179, plus strand): 5'-TGCCTTCCCTGGCACCTACACCATTACCATCAAGTATGGCGGGCATCCCGTGCCCAAATT[C>A]CCCACCCGTGTCCATGTGCAGCCTGCGGTCGATACCAGTGGCGTCAAGGTCTCAGGGCCT-3'
Protein context (NP_001449.3, residues 1228-1248): IKYGGHPVPK[Phe1238Leu]PTRVHVQPAV